The following is an entry in ClinVar:

NM_015046.7(SETX):c.369_372del (p.Leu123fs)

Gene: SETX (senataxin; minus strand). Cytogenetic location: 9q34.13.
Variant type: Deletion.
Coding change: c.369_372del on transcript NM_015046.7 (MANE Select); coding-DNA positions 369 to 372, 4 bases deleted (GCTT; older notation c.369_372delGCTT).
Protein change: p.Leu123fs; shifts the reading frame from leucine 123.
Molecular consequence: frameshift variant.
Genome position (GRCh38, 1-based): chr9:132,346,277-132,346,280, AAGC deleted on the plus strand (GCTT on the coding strand, the reverse complement: SETX is on the minus strand); deleting any 4 consecutive bases within chr9:132,346,277-132,346,283 gives the same sequence; the c. name uses the placement nearest the transcript's 3' end. VCF-style (leftmost placement, unchanged base first): chr9-132346276-GAAGC-G. GRCh37 (hg19) VCF-style: chr9-135221663-GAAGC-G.
Other names: c.369_372del, p.Leu123fs (NM_001351527.2, NM_001351528.2); short protein forms L123fs.
Identifiers: ClinVar variation 3358883 (VCV003358883.3).

ClinVar aggregate classification (germline): Uncertain significance (1 of 4 stars; one submission).

Conditions:
Spinocerebellar ataxia, autosomal recessive, with axonal neuropathy 2 (SCAN2). Also called: ATAXIA-OCULOMOTOR APRAXIA 2; Ataxia with Oculomotor Apraxia; Ataxia with Oculomotor Apraxia Type 2; Ataxia-ocular apraxia-2. Identifiers: Orphanet 64753, MedGen C1853761, MONDO:0018996, OMIM 606002.

Submission:

Clinical Omics and Informatics (COIN) Unit, Neuroscience Institute, University Of Cape Town
Classification: Uncertain significance for Spinocerebellar ataxia, autosomal recessive, with axonal neuropathy 2. Last evaluated: 2025-02-10. Review status: criteria provided, single submitter. Criteria: ACMG Guidelines, 2015. Collection method: research. Allele origin: germline. Inheritance: Autosomal recessive inheritance. Affected: yes. Observed: 1 variant allele, 1 compound heterozygote.
Comment: This variant is absent from gnomAD v4.0 (adequate coverage >20x confirmed). PVS1_Strong: Frameshift variant predicted to undergo NMD, exon is present in biologically-relevant transcript and LOF is a known mechanism of disease (PMID:34922620).

Literature cited by the submitters: PubMed 34922620.